The following is an entry in ClinVar:

NM_001943.5(DSG2):c.877A>G (p.Ile293Val)

Gene: DSG2 (desmoglein 2; plus strand). Cytogenetic location: 18q12.1.
Variant type: single nucleotide variant.
Coding change: c.877A>G on transcript NM_001943.5 (MANE Select); coding-DNA position 877, A replaced by G.
Protein change: p.Ile293Val; replaces isoleucine 293 with valine.
Molecular consequence: missense variant.
Genome position (GRCh38, 1-based): chr18:31,524,751, A>G. VCF-style: chr18-31524751-A-G. GRCh37 (hg19) VCF-style: chr18-29104714-A-G.
Other names: short protein forms I293V.
Identifiers: ClinVar variation 44331 (VCV000044331.52), dbSNP rs2230234, ClinGen allele CA022337.

ClinVar aggregate classification (germline): Benign. Review status: criteria provided, multiple submitters, no conflicts (2 of 4 stars). 21 submissions from 21 submitters: Benign (15). 6 of the submissions do not count toward it. Last evaluated 2026-02-04.

Conditions:
Cardiovascular phenotype. Identifiers: MedGen CN230736.
Arrhythmogenic right ventricular cardiomyopathy (ARVD). Also called: Arrhythmogenic cardiomyopathy; Arrhythmogenic Right Ventricular Cardiomyopathy (ARVC); Cardiomyopathy, ARVC; Arrhythmogenic right ventricular dysplasia. Identifiers: Orphanet 247, MedGen C0349788, MeSH D019571, MONDO:0016587. Disease mechanism: loss of function. Inheritance: Various modes of inheritance.
Cardiomyopathy (CMYO). Also called: Cardiomyopathies. Identifiers: Orphanet 167848, MedGen C0878544, MONDO:0004994, HP:0001638. Inheritance: Various modes of inheritance.
Arrhythmogenic right ventricular dysplasia 10. Also called: Arrhythmogenic right ventricular dysplasia/cardiomyopathy, type 10; ARRHYTHMOGENIC RIGHT VENTRICULAR DYSPLASIA, FAMILIAL, 10; Arrhythmogenic Right Ventricular Dysplasia/Cardiomyopathy10. Identifiers: MedGen C1857777, MONDO:0012434, OMIM 610193.

Allele frequency attached by ClinVar (database versions not stated): 1000 Genomes Project 30x 0.03107; 1000 Genomes Project 0.03235; TOPMed 0.05812; ESP Exome Variant Server 0.06360.
gnomAD v4.1: 125,941 of 1,614,152 alleles (7.8%); highest among the groups gnomAD compares: Middle Eastern, 9%; 5,572 homozygotes.

Submissions (21):

Labcorp Genetics (formerly Invitae), Labcorp
Classification: Benign for Arrhythmogenic right ventricular dysplasia 10. Last evaluated: 2026-02-04. Review status: criteria provided, single submitter. Criteria: Invitae Variant Classification Sherloc (09022015). Collection method: clinical testing. Allele origin: germline.

ARUP Laboratories, Molecular Genetics and Genomics, ARUP Laboratories
Classification: Benign. Last evaluated: 2025-07-23. Review status: criteria provided, single submitter. Criteria: ARUP Molecular Germline Variant Investigation Process 2024. Collection method: clinical testing. Allele origin: germline.

Molecular Diagnostic Laboratory for Inherited Cardiovascular Disease, Montreal Heart Institute
Classification: Benign. Last evaluated: 2025-04-09. Review status: criteria provided, single submitter. Criteria: ACMG Guidelines, 2015. Collection method: clinical testing. Allele origin: germline. Affected: no.

Blueprint Genetics
Classification: Benign. Last evaluated: 2024-11-28. Review status: criteria provided, single submitter. Criteria: ACMG Guidelines, 2015. Collection method: clinical testing. Allele origin: germline.

All of Us Research Program, National Institutes of Health
Classification: Benign for Arrhythmogenic right ventricular cardiomyopathy. Last evaluated: 2024-02-05. Review status: criteria provided, single submitter. Criteria: ACMG Guidelines, 2015. Collection method: clinical testing. Allele origin: germline. Inheritance: Autosomal dominant inheritance. Observed: 15,130 variant alleles, 14,516 heterozygotes, 614 homozygotes.
Comment: This study involves interpretation of variants in research participants for the purpose of population health screening. Participant phenotype was not available at the time of variant classification. Additional details can be found in publication PMID: 35346344, PMCID: PMC8962531

GeneDx
Classification: Benign. Last evaluated: 2018-11-28. Review status: criteria provided, single submitter. Criteria: GeneDx Variant Classification Process June 2021. Collection method: clinical testing. Allele origin: germline. Affected: yes.
Comment: This variant is associated with the following publications: (PMID: 33232181, 30716529, 27884173, 18678517, 27153395, 19863551, 16025435, 21397041, 24125834)

Color Diagnostics, LLC DBA Color Health
Classification: Benign for Cardiomyopathy. Last evaluated: 2018-04-08. Review status: criteria provided, single submitter. Criteria: ACMG Guidelines, 2015. Collection method: clinical testing. Allele origin: germline.

Illumina Laboratory Services, Illumina
Classification: Benign for Arrhythmogenic right ventricular dysplasia 10. Last evaluated: 2018-01-13. Review status: criteria provided, single submitter. Criteria: ICSL Variant Classification Criteria 13 December 2019. Collection method: clinical testing. Allele origin: germline.
Comment: This variant was observed in the ICSL laboratory as part of a predisposition screen in an ostensibly healthy population. It had not been previously curated by ICSL or reported in the Human Gene Mutation Database (HGMD: prior to June 1st, 2018), and was therefore a candidate for classification through an automated scoring system. Utilizing variant allele frequency, disease prevalence and penetrance estimates, and inheritance mode, an automated score was calculated to assess if this variant is too frequent to cause the disease. Based on the score and internal cut-off values, a variant classified as benign is not then subjected to further curation. The score for this variant resulted in a classification of benign for this disease.

Eurofins Ntd Llc (ga)
Classification: Benign. Last evaluated: 2015-08-10. Review status: criteria provided, single submitter. Criteria: EGL Classification Definitions 2015. Collection method: clinical testing. Allele origin: germline. Observed: 1 variant allele, 1 heterozygote.

Ambry Genetics
Classification: Benign for Cardiovascular phenotype. Last evaluated: 2015-06-21. Review status: criteria provided, single submitter. Criteria: Ambry Variant Classification Scheme 2023. Collection method: clinical testing. Allele origin: germline.

Mayo Clinic Laboratories, Mayo Clinic
Classification: Benign. Last evaluated: 2014-05-08. Review status: criteria provided, single submitter. Criteria: ACMG Guidelines, 2015. Collection method: clinical testing. Allele origin: germline. Observed: 166 variant alleles.

Biesecker Lab/Clinical Genomics Section, National Institutes of Health
Classification: Benign. Last evaluated: 2013-06-24. Review status: criteria provided, single submitter. Criteria: Ng et al. (Circ Cardiovasc Genet. 2013). Collection method: research. Allele origin: unknown. Observed: 132 variant alleles. Study: ClinSeq.
Comment: The study set was not selected for affection status in relation to any cancer. Pathogenicity categories were based on literature curation. See Pubmed ID:23861362 for details.

Medical sequencing

Laboratory for Molecular Medicine, Mass General Brigham Personalized Medicine
Classification: Benign. Last evaluated: 2008-01-04. Review status: criteria provided, single submitter. Criteria: LMM Criteria. Collection method: clinical testing. Allele origin: germline. Observed: 307 variant alleles.

Breakthrough Genomics
Classification: Benign. Review status: criteria provided, single submitter. Criteria: ACMG Guidelines, 2015. Collection method: not provided. Allele origin: germline. Inheritance: Autosomal recessive inheritance. Affected: yes.

PreventionGenetics, part of Exact Sciences
Classification: Benign. Review status: criteria provided, single submitter. Criteria: ACMG Guidelines, 2015. Collection method: clinical testing. Allele origin: germline.

Cohesion Phenomics
Classification: Benign for Cardiomyopathy. Last evaluated: 2022-09-23. Review status: no assertion criteria provided. Criteria: ACMG Guidelines, 2015. Collection method: clinical testing. Allele origin: germline. Affected: yes. Not counted in ClinVar's aggregate classification.

Clinical Genetics DNA and cytogenetics Diagnostics Lab, Erasmus MC, Erasmus Medical Center
Classification: Benign. Review status: no assertion criteria provided. Collection method: clinical testing. Allele origin: germline. Affected: yes. Study: VKGL Data-share Consensus. Not counted in ClinVar's aggregate classification.

Clinical Genetics, Academic Medical Center
Classification: Benign. Review status: no assertion criteria provided. Collection method: clinical testing. Allele origin: germline. Affected: yes. Study: VKGL Data-share Consensus. Not counted in ClinVar's aggregate classification.

Diagnostic Laboratory, Department of Genetics, University Medical Center Groningen
Classification: Benign. Review status: no assertion criteria provided. Collection method: clinical testing. Allele origin: germline. Affected: yes. Study: VKGL Data-share Consensus. Not counted in ClinVar's aggregate classification.

Genome Diagnostics Laboratory, University Medical Center Utrecht
Classification: Benign. Review status: no assertion criteria provided. Collection method: clinical testing. Allele origin: germline. Affected: yes. Study: VKGL Data-share Consensus. Not counted in ClinVar's aggregate classification.

Joint Genome Diagnostic Labs from Nijmegen and Maastricht, Radboudumc and MUMC+
Classification: Benign. Review status: no assertion criteria provided. Collection method: clinical testing. Allele origin: germline. Affected: yes. Study: VKGL Data-share Consensus. Not counted in ClinVar's aggregate classification.